The following is an entry in ClinVar:

NM_024120.5(NDUFAF5):c.833_834del (p.Thr278fs)

Gene: NDUFAF5 (NADH:ubiquinone oxidoreductase complex assembly factor 5; plus strand). Cytogenetic location: 20p12.1.
Variant type: Microsatellite.
Coding change: c.833_834del on transcript NM_024120.5 (MANE Select); coding-DNA positions 833 to 834, 2 bases deleted (CA; older notation c.833_834delCA).
Protein change: p.Thr278fs; shifts the reading frame from threonine 278.
Molecular consequence: frameshift variant. On other transcripts: non-coding transcript variant (7).
Genome position (GRCh38, 1-based): chr20:13,816,517-13,816,518, CA deleted; deleting any 2 consecutive bases within chr20:13,816,514-13,816,518 gives the same sequence; the c. name uses the placement nearest the transcript's 3' end. VCF-style (leftmost placement, unchanged base first): chr20-13816513-GAC-G. GRCh37 (hg19) VCF-style: chr20-13797159-GAC-G.
Other names: c.749_750del, p.Thr250fs (NM_001039375.3); c.362_363del, p.Thr121fs (NM_001352403.2); c.272_273del, p.Thr91fs (NM_001352406.2, NM_001352407.2); c.833_834del (NM_024120.4); short protein forms T121fs, T250fs, T278fs, T91fs.
Identifiers: ClinVar variation 2988854 (VCV002988854.4), dbSNP rs1986478157, ClinGen allele CA2351380854.
Genomic context (GRCh38, chr20:13,816,513, plus strand): 5'-GTATTTGTAGGTATGGGTGAGAGTAACTGTGCTTGGAATAGAAAAGCCCTGCTGCATCGA[GAC>G]ACAATGCTGGCAGCTGCGGCAGTGTACAGAGGTAAGGGGCGACCACTCTTTCACCCGCCT-3'

ClinVar aggregate classification (germline): Pathogenic/Likely pathogenic. Review status: criteria provided, multiple submitters, no conflicts (2 of 4 stars). 2 submissions from 2 submitters: Pathogenic (1); Likely pathogenic (1). Last evaluated 2025-06-06.

Conditions:
Mitochondrial complex I deficiency. Also called: NADH:Q(1) OXIDOREDUCTASE DEFICIENCY. Identifiers: Orphanet 2609, MedGen C1838979, MeSH C537475, MONDO:0100133.

Submissions (2):

Natera, Inc.
Classification: Likely pathogenic for Mitochondrial complex I deficiency. Last evaluated: 2025-06-06. Review status: criteria provided, single submitter. Criteria: Natera Variant Classification Schema (03/2026). Collection method: clinical testing. Allele origin: germline.
Comment: The c.833_834del variant in NDUFAF5 is a frameshift variant predicted to shift the reading frame beginning at codon 278 and leads to a stop codon 15 codons downstream. This variant is expected to result in nonsense mediated decay, truncation, or a dysfunctional protein product. This variant is rare in the general population with a frequency below the threshold expected for the associated phenotype(s). Given the available evidence, this variant is classified as Likely Pathogenic.

Labcorp Genetics (formerly Invitae), Labcorp
Classification: Pathogenic. Last evaluated: 2024-02-19. Review status: criteria provided, single submitter. Criteria: Invitae Variant Classification Sherloc (09022015). Collection method: clinical testing. Allele origin: germline.
Comment: This sequence change creates a premature translational stop signal (p.Thr278Asnfs*15) in the NDUFAF5 gene. It is expected to result in an absent or disrupted protein product. Loss-of-function variants in NDUFAF5 are known to be pathogenic (PMID: 26275793, 30473481, 32918965). This variant is not present in population databases (gnomAD no frequency). This variant has not been reported in the literature in individuals affected with NDUFAF5-related conditions. For these reasons, this variant has been classified as Pathogenic.

Literature cited by the submitters: PubMed 26275793 (cited by Labcorp Genetics (formerly Invitae), Labcorp); PubMed 30473481 (cited by Labcorp Genetics (formerly Invitae), Labcorp); PubMed 32918965 (cited by Labcorp Genetics (formerly Invitae), Labcorp).